The following is an entry in ClinVar:

ClinVar aggregate classification (germline): Uncertain significance. Review status: criteria provided, multiple submitters, no conflicts (2 of 4 stars). 2 submissions from 2 submitters: Uncertain significance (2). Last evaluated 2024-06-05.

Conditions:
Ullrich congenital muscular dystrophy 2 (UCMD2). Identifiers: Orphanet 75840, MedGen C4225314, MONDO:0014654, OMIM 616470.
Bethlem myopathy 2 (BTHLM2). Identifiers: Orphanet 536516, Orphanet 610, MedGen C4225313, MONDO:0034022, OMIM 616471.

gnomAD v4.1: 2 of 1,612,848 alleles (0.00012%); highest among the groups gnomAD compares: Non-Finnish European, 0.00017%; no homozygotes.

Submissions (2):

Labcorp Genetics (formerly Invitae), Labcorp
Classification: Uncertain significance for Bethlem myopathy 2; Ullrich congenital muscular dystrophy 2. Last evaluated: 2024-06-05. Review status: criteria provided, single submitter. Criteria: Invitae Variant Classification Sherloc (09022015). Collection method: clinical testing. Allele origin: germline.
Comment: This sequence change replaces valine, which is neutral and non-polar, with leucine, which is neutral and non-polar, at codon 1823 of the COL12A1 protein (p.Val1823Leu). This variant is present in population databases (rs201408175, gnomAD 0.002%). This variant has not been reported in the literature in individuals affected with COL12A1-related conditions. ClinVar contains an entry for this variant (Variation ID: 2198058). Advanced modeling of protein sequence and biophysical properties (such as structural, functional, and spatial information, amino acid conservation, physicochemical variation, residue mobility, and thermodynamic stability) performed at Invitae indicates that this missense variant is not expected to disrupt COL12A1 protein function with a negative predictive value of 80%. In summary, the available evidence is currently insufficient to determine the role of this variant in disease. Therefore, it has been classified as a Variant of Uncertain Significance.

Revvity Omics, Revvity
Classification: Uncertain significance. Last evaluated: 2019-06-06. Review status: criteria provided, single submitter. Criteria: ACMG Guidelines, 2015. Collection method: clinical testing. Allele origin: germline.

NM_004370.6(COL12A1):c.5467G>T (p.Val1823Leu)

Gene: COL12A1 (collagen type XII alpha 1 chain; minus strand). Cytogenetic location: 6q13.
Variant type: single nucleotide variant.
Coding change: c.5467G>T on transcript NM_004370.6 (MANE Select); coding-DNA position 5467, G replaced by T.
Protein change: p.Val1823Leu; replaces valine 1823 with leucine.
Molecular consequence: missense variant.
Genome position (GRCh38, 1-based): chr6:75,134,783, C>A on the plus strand (G>T on the coding strand, the complement: COL12A1 is on the minus strand). VCF-style: chr6-75134783-C-A. GRCh37 (hg19) VCF-style: chr6-75844499-C-A.
Other names: c.5467G>T (NM_004370.5); c.1975G>T, p.Val659Leu (NM_080645.3); short protein forms V1823L, V659L.
Identifiers: ClinVar variation 2198058 (VCV002198058.6), dbSNP rs201408175, ClinGen allele CA3893124.